The following is an entry in ClinVar:

NM_004519.4(KCNQ3):c.1054G>A (p.Gly352Arg)

Gene: KCNQ3 (potassium voltage-gated channel subfamily Q member 3; minus strand). Cytogenetic location: 8q24.22.
Variant type: single nucleotide variant.
Coding change: c.1054G>A on transcript NM_004519.4 (MANE Select); coding-DNA position 1054, G replaced by A.
Protein change: p.Gly352Arg; replaces glycine 352 with arginine.
Molecular consequence: missense variant.
Genome position (GRCh38, 1-based): chr8:132,172,684, C>T on the plus strand (G>A on the coding strand, the complement: KCNQ3 is on the minus strand). VCF-style: chr8-132172684-C-T. GRCh37 (hg19) VCF-style: chr8-133184931-C-T.
Other names: c.1054G>A (NM_004519.3); c.694G>A, p.Gly232Arg (NM_001204824.2); short protein forms G232R, G352R.
Identifiers: ClinVar variation 1495124 (VCV001495124.9), dbSNP rs1826416635, ClinGen allele CA372290010.
Genomic context (GRCh38, chr8:132,172,684, plus strand): 5'-TCCTTTTCTCAAAGTGCTTCTGACGGTGTTGCTCCTGCACCTTGAGGGCCAGCCCGGACC[C>T]CAGGATGCCCTGGAGGGAGAGGCAGGCAGGCAGTCAGCCCCCAGCTAGACTGTCCCAGCA-3'
Protein context (NP_004510.1, residues 342-362): SFFALPAGIL[Gly352Arg]SGLALKVQEQ

ClinVar aggregate classification (germline): Uncertain significance. Review status: criteria provided, multiple submitters, no conflicts (2 of 4 stars). 2 submissions from 2 submitters: Uncertain significance (2). Last evaluated 2023-06-11.

Conditions:
Benign neonatal seizures. Also called: Benign familial neonatal epilepsy; Benign familial neonatal seizures; Benign neonatal familial convulsions; Convulsions benign familial neonatal dominant form; Autosomal dominant form of benign neonatal seizures. Identifiers: Orphanet 1949, MedGen C0220669, MONDO:0016027.

Submissions (2):

GeneDx
Classification: Uncertain significance. Last evaluated: 2023-06-11. Review status: criteria provided, single submitter. Criteria: GeneDx Variant Classification Process June 2021. Collection method: clinical testing. Allele origin: germline. Affected: yes.
Comment: Not observed at significant frequency in large population cohorts (gnomAD); In silico analysis supports that this missense variant has a deleterious effect on protein structure/function; Has not been previously published as pathogenic or benign to our knowledge

Labcorp Genetics (formerly Invitae), Labcorp
Classification: Uncertain significance for Benign neonatal seizures. Last evaluated: 2021-04-06. Review status: criteria provided, single submitter. Criteria: Invitae Variant Classification Sherloc (09022015). Collection method: clinical testing. Allele origin: germline.
Comment: This sequence change replaces glycine with arginine at codon 352 of the KCNQ3 protein (p.Gly352Arg). The glycine residue is highly conserved and there is a moderate physicochemical difference between glycine and arginine. In summary, the available evidence is currently insufficient to determine the role of this variant in disease. Therefore, it has been classified as a Variant of Uncertain Significance. Advanced modeling of protein sequence and biophysical properties (such as structural, functional, and spatial information, amino acid conservation, physicochemical variation, residue mobility, and thermodynamic stability) performed at Invitae indicates that this missense variant is expected to disrupt KCNQ3 protein function. This variant has not been reported in the literature in individuals with KCNQ3-related conditions. This variant is not present in population databases (ExAC no frequency).